The following is an entry in ClinVar:

ClinVar aggregate classification (germline): Uncertain significance (1 of 4 stars; one submission).

Submission:

GeneDx
Classification: Uncertain significance. Last evaluated: 2026-01-22. Review status: criteria provided, single submitter. Criteria: GeneDx Variant Classification Process June 2021. Collection method: clinical testing. Allele origin: germline.
Comment: Initiation codon variant predicted to alter the protein; however, a downstream in-frame Methionine residue could serve as an alternate initiator codon; Not observed at significant frequency in large population cohorts (gnomAD); Has not been previously published as pathogenic or benign to our knowledge

NM_000090.4(COL3A1):c.1A>G (p.Met1Val)

Gene: COL3A1 (collagen type III alpha 1 chain; plus strand). Cytogenetic location: 2q32.2.
Variant type: single nucleotide variant.
Coding change: c.1A>G on transcript NM_000090.4 (MANE Select); coding-DNA position 1, A replaced by G.
Protein change: p.Met1Val; changes the start codon (methionine 1).
Molecular consequence: missense variant, initiator codon variant.
Genome position (GRCh38, 1-based): chr2:188,974,490, A>G. VCF-style: chr2-188974490-A-G. GRCh37 (hg19) VCF-style: chr2-189839216-A-G.
Other names: short protein forms M1V.
Identifiers: ClinVar variation 4975283 (VCV004975283.1).
Genomic context (GRCh38, chr2:188,974,490, plus strand): 5'-CTTTGAACTGCTTTTCTTTTCTCCTTTTTGCACAAAGAGTCTCATGTCTGATATTTAGAC[A>G]TGATGAGCTTTGTGCAAAAGGGGAGCTGGCTACTTCTCGCTCTGCTTCATCCCACTATTA-3'
Protein context (NP_000081.2, residues 1-11): [Met1Val]MSFVQKGSWL